The following is an entry in ClinVar:

ClinVar aggregate classification (germline): Conflicting classifications of pathogenicity. Review status: criteria provided, conflicting classifications (1 of 4 stars). 2 submissions from 2 submitters: Uncertain significance (1); Likely benign (1). Last evaluated 2026-03-13.

Conditions:
EGFR-related lung cancer (EGFR). Identifiers: MedGen CN130014.
Hereditary cancer-predisposing syndrome. Also called: Neoplastic Syndromes, Hereditary; Tumor predisposition; Hereditary Cancer Syndrome; Hereditary neoplastic syndrome. Identifiers: Orphanet 140162, MedGen C0027672, MeSH D009386, MONDO:0015356.

gnomAD v4.1: 2 of 1,522,754 alleles (0.00013%); highest among the groups gnomAD compares: East Asian, 0.0027%; no homozygotes.

Submissions (2):

Ambry Genetics
Classification: Likely benign for Hereditary cancer-predisposing syndrome. Last evaluated: 2026-03-13. Review status: criteria provided, single submitter. Criteria: Ambry Variant Classification Scheme 2023. Collection method: clinical testing. Allele origin: germline.

Labcorp Genetics (formerly Invitae), Labcorp
Classification: Uncertain significance for EGFR-related lung cancer. Last evaluated: 2023-06-16. Review status: criteria provided, single submitter. Criteria: Invitae Variant Classification Sherloc (09022015). Collection method: clinical testing. Allele origin: germline.
Comment: In summary, the available evidence is currently insufficient to determine the role of this variant in disease. Therefore, it has been classified as a Variant of Uncertain Significance. An algorithm developed to predict the effect of missense changes on protein structure and function (PolyPhen-2) suggests that this variant¬†is likely to be tolerated. This variant has not been reported in the literature in individuals affected with EGFR-related conditions. This variant is not present in population databases (gnomAD no frequency). This sequence change replaces alanine, which is neutral and non-polar, with threonine, which is neutral and polar, at codon 13 of the EGFR protein (p.Ala13Thr).

NM_005228.5(EGFR):c.37G>A (p.Ala13Thr)

Gene: EGFR (epidermal growth factor receptor; plus strand). Cytogenetic location: 7p11.2.
Variant type: single nucleotide variant.
Coding change: c.37G>A on transcript NM_005228.5 (MANE Select); coding-DNA position 37, G replaced by A.
Protein change: p.Ala13Thr; replaces alanine 13 with threonine.
Molecular consequence: missense variant.
Genome position (GRCh38, 1-based): chr7:55,019,314, G>A. VCF-style: chr7-55019314-G-A. GRCh37 (hg19) VCF-style: chr7-55087007-G-A.
Other names: c.37G>A, p.Ala13Thr (NM_001346897.2, NM_001346898.2, NM_001346899.2 and 4 more transcripts); short protein forms A13T.
Identifiers: ClinVar variation 3004677 (VCV003004677.2), dbSNP rs2128853391, ClinGen allele CA367611225.